The following is an entry in ClinVar:

ClinVar aggregate classification (germline): Uncertain significance (1 of 4 stars; one submission).

Conditions:
Emery-Dreifuss muscular dystrophy 5, autosomal dominant (EDMD5). Also called: EMERY-DREIFUSS MUSCULAR DYSTROPHY 5. Identifiers: Orphanet 261, MedGen C2751805, MONDO:0013072, OMIM 612999.

Allele frequency attached by ClinVar (database versions not stated): gnomAD exomes below 0.00001; ExAC 0.00001.

Submission:

Labcorp Genetics (formerly Invitae), Labcorp
Classification: Uncertain significance for Emery-Dreifuss muscular dystrophy 5, autosomal dominant. Last evaluated: 2021-05-30. Review status: criteria provided, single submitter. Criteria: Invitae Variant Classification Sherloc (09022015). Collection method: clinical testing. Allele origin: germline.
Comment: In summary, the available evidence is currently insufficient to determine the role of this variant in disease. Therefore, it has been classified as a Variant of Uncertain Significance. Algorithms developed to predict the effect of missense changes on protein structure and function are either unavailable or do not agree on the potential impact of this missense change (SIFT: "Deleterious"; PolyPhen-2: "Benign"; Align-GVGD: "Class C0"). This variant has not been reported in the literature in individuals with SYNE2-related conditions. This variant is present in population databases (rs749911464, ExAC 0.002%). This sequence change replaces serine with tyrosine at codon 2534 of the SYNE2 protein (p.Ser2534Tyr). The serine residue is weakly conserved and there is a large physicochemical difference between serine and tyrosine.

NM_182914.3(SYNE2):c.7601C>A (p.Ser2534Tyr)

Gene: SYNE2 (spectrin repeat containing nuclear envelope protein 2; plus strand). Cytogenetic location: 14q23.2.
Variant type: single nucleotide variant.
Coding change: c.7601C>A on transcript NM_182914.3 (MANE Select); coding-DNA position 7601, C replaced by A.
Protein change: p.Ser2534Tyr; replaces serine 2534 with tyrosine.
Molecular consequence: missense variant.
Genome position (GRCh38, 1-based): chr14:64,049,834, C>A. VCF-style: chr14-64049834-C-A. GRCh37 (hg19) VCF-style: chr14-64516552-C-A.
Other names: c.7601C>A, p.Ser2534Tyr (NM_015180.6); short protein forms S2534Y.
Identifiers: ClinVar variation 1422589 (VCV001422589.8), dbSNP rs749911464, ClinGen allele CA7220968.